The following is an entry in ClinVar:

NM_004974.4(KCNA2):c.1225A>C (p.Ile409Leu)

Gene: KCNA2 (potassium voltage-gated channel subfamily A member 2; minus strand). Cytogenetic location: 1p13.3.
Variant type: single nucleotide variant.
Coding change: c.1225A>C on transcript NM_004974.4 (MANE Select); coding-DNA position 1225, A replaced by C.
Protein change: p.Ile409Leu; replaces isoleucine 409 with leucine.
Molecular consequence: missense variant. On other transcripts: intron variant (1).
Genome position (GRCh38, 1-based): chr1:110,603,558, T>G on the plus strand (A>C on the coding strand, the complement: KCNA2 is on the minus strand). VCF-style: chr1-110603558-T-G. GRCh37 (hg19) VCF-style: chr1-111146180-T-G.
Other names: c.894+331A>C (NM_001204269.2); short protein forms I409L.
Identifiers: ClinVar variation 3256742 (VCV003256742.1).

ClinVar aggregate classification (germline): Likely pathogenic (0 of 4 stars; one submission).

Conditions:
Developmental and epileptic encephalopathy, 32 (DEE32). Also called: Epileptic encephalopathy, early infantile, 32. Identifiers: Orphanet 442835, MedGen C4225350, MONDO:0014607, OMIM 616366.

Submission:

Solve-RD Consortium
Classification: Likely pathogenic for Developmental and epileptic encephalopathy, 32. Last evaluated: 2022-06-01. Review status: no assertion criteria provided. Collection method: provider interpretation. Allele origin: inherited. Affected: yes.
Comment: Variant confirmed as disease-causing by referring clinical team

Variant identified during reanalysis of unsolved cases by the Solve-RD project. The Solve-RD project has received funding from the European Union’s Horizon 2020 research and innovation programme under grant agreement No 779257.

Literature cited by the submitters: PubMed 39825153.